The following is an entry in ClinVar:

ClinVar aggregate classification (germline): Pathogenic/Likely pathogenic. Review status: criteria provided, multiple submitters, no conflicts (2 of 4 stars). 3 submissions from 3 submitters: Pathogenic (2); Likely pathogenic (1). Last evaluated 2023-03-24.

Conditions:
Hereditary breast ovarian cancer syndrome. Also called: Hereditary breast and ovarian cancer; Hereditary breast and/or ovarian cancer syndrome; Hereditary breast and ovarian cancer syndrome; Hereditary breast and ovarian cancer syndrome (HBOC); Breast and ovarian cancer; BRCA1- and BRCA2-Associated Hereditary Breast and Ovarian Cancer. Identifiers: Orphanet 145, MedGen C0677776, MeSH D061325, MONDO:0003582. Disease mechanism: loss of function.

Submissions (3):

Quest Diagnostics Nichols Institute San Juan Capistrano
Classification: Likely pathogenic. Last evaluated: 2023-03-24. Review status: criteria provided, single submitter. Criteria: Quest Diagnostics criteria. Collection method: clinical testing. Allele origin: unknown.
Comment: This frameshift variant alters the translational reading frame of the BRCA2 mRNA and is predicted to cause the premature termination of BRCA2 protein synthesis. The variant has not been reported in individuals with BRCA2-related diseases in the published literature. It also has not been reported in large, multi-ethnic general populations. Based on the available information, this variant is classified as likely pathogenic.

Labcorp Genetics (formerly Invitae), Labcorp
Classification: Pathogenic for Hereditary breast ovarian cancer syndrome. Last evaluated: 2021-05-05. Review status: criteria provided, single submitter. Criteria: Invitae Variant Classification Sherloc (09022015). Collection method: clinical testing. Allele origin: germline.
Comment: This sequence change creates a premature translational stop signal (p.Ser1069Hisfs*7) in the BRCA2 gene. It is expected to result in an absent or disrupted protein product. Loss-of-function variants in BRCA2 are known to be pathogenic (PMID: 20104584). This variant is not present in population databases (ExAC no frequency). This variant has not been reported in the literature in individuals with BRCA2-related conditions. ClinVar contains an entry for this variant (Variation ID: 545826). For these reasons, this variant has been classified as Pathogenic.

GeneDx
Classification: Pathogenic. Last evaluated: 2017-10-09. Review status: criteria provided, single submitter. Criteria: GeneDx Variant Classification (06012015). Collection method: clinical testing. Allele origin: germline. Affected: yes.
Comment: This deletion of four nucleotides in BRCA2 is denoted c.3204_3207delATCT at the cDNA level and p.Ser1069HisfsX7 (S1069HfsX7) at the protein level. The normal sequence, with the bases that are deleted in brackets, is CTGT[delATCT]GCAC. The deletion causes a frameshift which changes a Serine to a Histidine at codon 1069, and creates a premature stop codon at position 7 of the new reading frame. Although this variant has not, to our knowledge, been reported in the literature, it is predicted to cause loss of normal protein function through either protein truncation or nonsense-mediated mRNA decay. We consider this variant to be pathogenic.

Literature cited by the submitters: PubMed 20104584 (cited by Labcorp Genetics (formerly Invitae), Labcorp).

NM_000059.4(BRCA2):c.3204_3207del (p.Ser1069fs)

Gene: BRCA2 (BRCA2 DNA repair associated; plus strand). Cytogenetic location: 13q13.1.
Variant type: Deletion.
Coding change: c.3204_3207del on transcript NM_000059.4 (MANE Select); coding-DNA positions 3204 to 3207, 4 bases deleted (ATCT; older notation c.3204_3207delATCT).
Protein change: p.Ser1069fs; shifts the reading frame from serine 1069.
Molecular consequence: frameshift variant.
Genome position (GRCh38, 1-based): chr13:32,337,559-32,337,562, ATCT deleted; deleting any 4 consecutive bases within chr13:32,337,558-32,337,562 gives the same sequence; the c. name uses the placement nearest the transcript's 3' end. VCF-style (leftmost placement, unchanged base first): chr13-32337557-GTATC-G. GRCh37 (hg19) VCF-style: chr13-32911694-GTATC-G.
Other names: c.3204_3207delATCT (NM_000059.3); c.3204_3207del (NM_000059.3); short protein forms S1069fs.
Identifiers: ClinVar variation 545826 (VCV000545826.9), dbSNP rs1555283099, ClinGen allele CA658823655.
Genomic context (GRCh38, chr13:32,337,557, plus strand): 5'-GTAAATACCTTGGCATTAGATAATCAAAAGAAACTGAGCAAGCCTCAGTCAATTAATACT[GTATC>G]TGCACATTTACAGAGTAGTGTAGTTGTTTCTGATTGTAAAAATAGTCATATAACCCCTCA-3'